The following is an entry in ClinVar:

NM_018062.4(FANCL):c.354A>G (p.Ile118Met)

Gene: FANCL (FA complementation group L; minus strand). Cytogenetic location: 2p16.1.
Variant type: single nucleotide variant.
Coding change: c.354A>G on transcript NM_018062.4 (MANE Select); coding-DNA position 354, A replaced by G.
Protein change: p.Ile118Met; replaces isoleucine 118 with methionine.
Molecular consequence: missense variant.
Genome position (GRCh38, 1-based): chr2:58,221,962, T>C on the plus strand (A>G on the coding strand, the complement: FANCL is on the minus strand). VCF-style: chr2-58221962-T-C. GRCh37 (hg19) VCF-style: chr2-58449097-T-C.
Other names: c.354A>G, p.Ile118Met (NM_001114636.2, NM_001374615.1, NM_001410792.1); short protein forms I118M.
Identifiers: ClinVar variation 1520409 (VCV001520409.7), dbSNP rs1371125510, ClinGen allele CA347034412.

ClinVar aggregate classification (germline): Uncertain significance (1 of 4 stars; one submission).

Conditions:
Fanconi anemia (FA). Also called: Fanconi's anemia. Identifiers: Orphanet 84, MedGen C0015625, MeSH D005199, MONDO:0019391.

Allele frequency attached by ClinVar (database versions not stated): gnomAD exomes below 0.00001; gnomAD 0.00001.
gnomAD v4.1: 3 of 1,611,316 alleles (0.00019%); highest among the groups gnomAD compares: Admixed American, 0.0017%; no homozygotes.

Submission:

Labcorp Genetics (formerly Invitae), Labcorp
Classification: Uncertain significance for Fanconi anemia. Last evaluated: 2021-04-14. Review status: criteria provided, single submitter. Criteria: Invitae Variant Classification Sherloc (09022015). Collection method: clinical testing. Allele origin: germline.
Comment: Algorithms developed to predict the effect of missense changes on protein structure and function are either unavailable or do not agree on the potential impact of this missense change (SIFT: "Tolerated"; PolyPhen-2: "Possibly Damaging"; Align-GVGD: "Class C0"). In summary, the available evidence is currently insufficient to determine the role of this variant in disease. Therefore, it has been classified as a Variant of Uncertain Significance. This variant has not been reported in the literature in individuals with FANCL-related conditions. This variant is not present in population databases (ExAC no frequency). This sequence change replaces isoleucine with methionine at codon 118 of the FANCL protein (p.Ile118Met). The isoleucine residue is moderately conserved and there is a small physicochemical difference between isoleucine and methionine.